The following is an entry in ClinVar:

NM_003850.3(SUCLA2):c.1330T>C (p.Ser444Pro)

Gene: SUCLA2 (succinate-CoA ligase ADP-forming subunit beta; minus strand). Cytogenetic location: 13q14.2.
Variant type: single nucleotide variant.
Coding change: c.1330T>C on transcript NM_003850.3 (MANE Select); coding-DNA position 1330, T replaced by C.
Protein change: p.Ser444Pro; replaces serine 444 with proline.
Molecular consequence: missense variant.
Genome position (GRCh38, 1-based): chr13:47,943,433, A>G on the plus strand (T>C on the coding strand, the complement: SUCLA2 is on the minus strand). VCF-style: chr13-47943433-A-G. GRCh37 (hg19) VCF-style: chr13-48517568-A-G.
Other names: short protein forms S444P.
Identifiers: ClinVar variation 2758509 (VCV002758509.3), dbSNP rs2541662765, ClinGen allele CA388249090.

ClinVar aggregate classification (germline): Uncertain significance (1 of 4 stars; one submission).

Conditions:
Mitochondrial DNA depletion syndrome, encephalomyopathic form with methylmalonic aciduria (MTDPS5). Also called: MITOCHONDRIAL DNA DEPLETION SYNDROME, ENCEPHALOMYOPATHIC FORM, WITH OR WITHOUT METHYLMALONIC ACIDURIA, AUTOSOMAL RECESSIVE, SUCLA2-RELATED; Mitochondrial DNA depletion syndrome 5 (encephalomyopathic with or without methylmalonic aciduria); Mitochondrial encephalomyopathy aminoacidopathy; SUCLA2-Related Mitochondrial DNA Depletion Syndrome, Encephalomyopathic Form with Methylmalonic Aciduria. Identifiers: Orphanet 1933, MedGen C5980207, MONDO:0012791, OMIM 612073.

Allele frequency attached by ClinVar (database versions not stated): gnomAD exomes below 0.00001.
gnomAD v4.1: 3 of 1,613,936 alleles (0.00019%); highest among the groups gnomAD compares: South Asian, 0.0033%; no homozygotes.

Submission:

Labcorp Genetics (formerly Invitae), Labcorp
Classification: Uncertain significance for Mitochondrial DNA depletion syndrome, encephalomyopathic form with methylmalonic aciduria. Last evaluated: 2023-11-19. Review status: criteria provided, single submitter. Criteria: Invitae Variant Classification Sherloc (09022015). Collection method: clinical testing. Allele origin: germline.
Comment: This sequence change replaces serine, which is neutral and polar, with proline, which is neutral and non-polar, at codon 444 of the SUCLA2 protein (p.Ser444Pro). This variant is not present in population databases (gnomAD no frequency). This variant has not been reported in the literature in individuals affected with SUCLA2-related conditions. Advanced modeling of protein sequence and biophysical properties (such as structural, functional, and spatial information, amino acid conservation, physicochemical variation, residue mobility, and thermodynamic stability) performed at Invitae indicates that this missense variant is expected to disrupt SUCLA2 protein function with a positive predictive value of 80%. In summary, the available evidence is currently insufficient to determine the role of this variant in disease. Therefore, it has been classified as a Variant of Uncertain Significance.